The following is an entry in ClinVar:

ClinVar aggregate classification (germline): Uncertain significance (1 of 4 stars; one submission).

Submission:

Labcorp Genetics (formerly Invitae), Labcorp
Classification: Uncertain significance. Last evaluated: 2023-07-30. Review status: criteria provided, single submitter. Criteria: Invitae Variant Classification Sherloc (09022015). Collection method: clinical testing. Allele origin: germline.
Comment: This variant results in a copy number gain of the genomic region encompassing exon(s) 3-11 of the SEPT9 gene. This region includes the termination codon of the gene. This copy number gain extends beyond the assayed region for this gene and therefore may encompass additional genes. As the precise location of this event is unknown, it may be in tandem or it may be located elsewhere in the genome. This variant has not been reported in the literature in individuals affected with SEPT9-related conditions. In summary, the available evidence is currently insufficient to determine the role of this variant in disease. Therefore, it has been classified as a Variant of Uncertain Significance.

NC_000017.10:g.(?_75478206)_(75494740_?)dup

Gene: SEPTIN9 (septin 9; plus strand). Cytogenetic location: 17q25.3.
Variant type: Duplication.
Identifiers: ClinVar variation 2445500 (VCV002445500.2).